The following is an entry in ClinVar:

ClinVar aggregate classification (germline): Uncertain significance (1 of 4 stars; one submission).

Conditions:
Hypertrophic cardiomyopathy 3. Also called: TPM1-Related Familial Hypertrophic Cardiomyopathy. Identifiers: MedGen C1861863, MONDO:0007267, OMIM 115196.

Submission:

Institute of Human Genetics, University of Goettingen
Classification: Uncertain significance for Hypertrophic cardiomyopathy 3. Last evaluated: 2020-08-06. Review status: criteria provided, single submitter. Criteria: ACMG Guidelines, 2015. Collection method: clinical testing. Allele origin: unknown. Inheritance: Autosomal dominant inheritance. Observed: 1 heterozygote.
Comment: The variant c.139C>G (p.(Gln47Glu)) in exon 2 of the TPM1-gene is not found in known databases (ExAC or gnomAD), to our knowledge it has not been published in the literature as of yet, it affects a highly conserved nucleotide, a highly conserved amino acid and there is a small physicochemical difference between Gln and Glu. In silico prediction programs show a differing verdict (MutationTaster & M-CAP: pathogenic vs. SIFT & PolyPhen-2: benign). Thus, we consider this TPM1-variant a variant of unknown significance. ACMG criteria used for classification: PM2, PP2.

NM_001018005.2(TPM1):c.139C>G (p.Gln47Glu)

Gene: TPM1 (tropomyosin 1; plus strand). Cytogenetic location: 15q22.2.
Variant type: single nucleotide variant.
Coding change: c.139C>G on transcript NM_001018005.2 (MANE Select); coding-DNA position 139, C replaced by G.
Protein change: p.Gln47Glu; replaces glutamine 47 with glutamic acid.
Molecular consequence: missense variant. On other transcripts: intron variant (3).
Genome position (GRCh38, 1-based): chr15:63,044,051, C>G. VCF-style: chr15-63044051-C-G. GRCh37 (hg19) VCF-style: chr15-63336250-C-G.
Other names: c.139C>G, p.Gln47Glu (NM_000366.6, NM_001018004.2, NM_001018006.2 and 3 more transcripts); c.265C>G, p.Gln89Glu (NM_001365778.1); c.240+220C>G (NM_001018020.2, NM_001018007.2, NM_001301244.2); short protein forms Q47E, Q89E.
Identifiers: ClinVar variation 978232 (VCV000978232.3), dbSNP rs2031854538, ClinGen allele CA392718526.